The following is an entry in ClinVar:

NM_000384.3(APOB):c.78_82+5del

Genes: APOB (apolipoprotein B; minus strand), LOC106560211 (APOB 5' regulatory region; plus strand). Cytogenetic location: 2p24.1.
Variant type: Deletion.
Coding change: c.78_82+5del on transcript NM_000384.3 (MANE Select); coding-DNA position 78 through 5 bases into the intron after coding-DNA position 82, 10 bases deleted (GGCCGGTGAG; older notation c.78_82+5delGGCCGGTGAG).
Molecular consequence: splice donor variant.
Genome position (GRCh38, 1-based): chr2:21,043,859-21,043,868, CTCACCGGCC deleted on the plus strand (GGCCGGTGAG on the coding strand, the reverse complement: APOB is on the minus strand); deleting any 10 consecutive bases within chr2:21,043,859-21,043,870 gives the same sequence; the c. name uses the placement nearest the transcript's 3' end. VCF-style (leftmost placement, unchanged base first): chr2-21043858-ACTCACCGGCC-A. GRCh37 (hg19) VCF-style: chr2-21266730-ACTCACCGGCC-A.
Identifiers: ClinVar variation 2582602 (VCV002582602.4), dbSNP rs2465463570, ClinGen allele CA913187900.
Genomic context (GRCh38, chr2:21,043,858, plus strand): 5'-CGGCCAACCTCGTGCCGCCGGCTCCCTCCCGCTCCCTCTGCGCCCGCAGAGCGGCCGCGC[ACTCACCGGCC>A]CTGGCGCCCGCCAGCAGCAGCAGCAGCAGCGCAGGCAGCGCCAGCAGCGCCAGCAGCGCG-3'

ClinVar aggregate classification (germline): Likely pathogenic. Review status: criteria provided, multiple submitters, no conflicts (2 of 4 stars). 4 submissions from 3 submitters: Likely pathogenic (4). Last evaluated 2024-06-11.

Conditions:
Hypercholesterolemia, autosomal dominant, type B (FHCL2). Also called: APOLIPOPROTEIN B-100, FAMILIAL DEFECTIVE; APOLIPOPROTEIN B-100, FAMILIAL LIGAND-DEFECTIVE; HYPERCHOLESTEROLEMIA, FAMILIAL, DUE TO LIGAND-DEFECTIVE APOLIPOPROTEIN B; Familial Hypercholesterolemia Type B; Familial hypercholesterolemia 2; APOB-Related Familial Hypercholesterolemia, Autosomal Dominant. Identifiers: MedGen C1704417, MONDO:0007751, OMIM 144010.
Familial hypobetalipoproteinemia 1. Also called: APOB-Related Familial Hypobetalipoproteinemia; Hypobetalipoproteinemia, normotriglyceridemic; Acanthocytosis with hypobetalipoproteinemia. Identifiers: MedGen C4551990, MONDO:0014252, OMIM 615558.
Hypobetalipoproteinemia. Identifiers: Orphanet 31154, MedGen C0020597, MONDO:0017774.

Submissions (4):

Labcorp Genetics (formerly Invitae), Labcorp
Classification: Likely pathogenic for Familial hypobetalipoproteinemia 1; Hypercholesterolemia, autosomal dominant, type B. Last evaluated: 2024-06-11. Review status: criteria provided, single submitter. Criteria: Invitae Variant Classification Sherloc (09022015). Collection method: clinical testing. Allele origin: germline.
Comment: This variant results in the deletion of part of exon 1 (c.78_82+5del) of the APOB gene. It is expected to disrupt RNA splicing. Variants that disrupt the donor or acceptor splice site typically lead to a loss of protein function (PMID: 16199547), and loss-of-function variants in APOB are known to be pathogenic (PMID: 20032471). This variant is not present in population databases (gnomAD no frequency). This variant has not been reported in the literature in individuals affected with APOB-related conditions. ClinVar contains an entry for this variant (Variation ID: 2582602). In summary, the currently available evidence indicates that the variant is pathogenic, but additional data are needed to prove that conclusively. Therefore, this variant has been classified as Likely Pathogenic.

Baylor Genetics
Classification: Likely pathogenic for Familial hypobetalipoproteinemia 1. Last evaluated: 2023-03-02. Review status: criteria provided, single submitter. Criteria: ACMG Guidelines, 2015. Collection method: clinical testing. Allele origin: unknown.

Baylor Genetics
Classification: Likely pathogenic for Hypercholesterolemia, autosomal dominant, type B. Last evaluated: 2023-03-02. Review status: criteria provided, single submitter. Criteria: ACMG Guidelines, 2015. Collection method: clinical testing. Allele origin: unknown.

Laboratory for Molecular Medicine, Mass General Brigham Personalized Medicine
Classification: Likely pathogenic for Hypobetalipoproteinemia. Last evaluated: 2015-12-22. Review status: criteria provided, single submitter. Criteria: ACMG Guidelines, 2015. Collection method: clinical testing. Allele origin: germline.
Comment: The c.78_82+5del variant in APOB has not been previously reported in individuals with hypobetalipoproteinemia. Data from large population studies is insufficient to assess the frequency of this variant. This 10 base pair deletion removes the last 5 bases of exon 1 and the first 5 bases of intron 1, which contain the highly conserved +1 and +2 positions in the 5' splice site consensus sequence. This deletion is expected to disrupt splicing and lead to an abnormal or absent protein. Heterozygous loss of function of the APOB gene is associated with hypobetalipoproteinemia (Welty 2014, Burnett 2015). In summary, although additional studies are required to fully establish its clinical significance, the c.78_82+5del variant is likely pathogenic.

Literature cited by the submitters: PubMed 16199547 (cited by Labcorp Genetics (formerly Invitae), Labcorp); PubMed 20032471 (cited by Labcorp Genetics (formerly Invitae), Labcorp).